The following is an entry in ClinVar:

ClinVar aggregate classification (germline): Uncertain significance (1 of 4 stars; one submission).

Submission:

GeneDx
Classification: Uncertain significance. Last evaluated: 2023-05-09. Review status: criteria provided, single submitter. Criteria: GeneDx Variant Classification Process June 2021. Collection method: clinical testing. Allele origin: germline. Affected: yes.
Comment: Not observed at significant frequency in large population cohorts (gnomAD); In silico analysis supports that this missense variant has a deleterious effect on protein structure/function; Has not been previously published as pathogenic or benign to our knowledge

NM_006766.5(KAT6A):c.5819C>T (p.Pro1940Leu)

Gene: KAT6A (lysine acetyltransferase 6A; minus strand). Cytogenetic location: 8p11.21.
Variant type: single nucleotide variant.
Coding change: c.5819C>T on transcript NM_006766.5 (MANE Select); coding-DNA position 5819, C replaced by T.
Protein change: p.Pro1940Leu; replaces proline 1940 with leucine.
Molecular consequence: missense variant.
Genome position (GRCh38, 1-based): chr8:41,932,401, G>A on the plus strand (C>T on the coding strand, the complement: KAT6A is on the minus strand). VCF-style: chr8-41932401-G-A. GRCh37 (hg19) VCF-style: chr8-41789919-G-A.
Other names: short protein forms P1940L.
Identifiers: ClinVar variation 2663098 (VCV002663098.1), dbSNP rs2486750471, ClinGen allele CA371060262.